The following is an entry in ClinVar:

NM_000257.4(MYH7):c.5661G>A (p.Glu1887=)

Gene: MYH7 (myosin heavy chain 7; minus strand). Cytogenetic location: 14q11.2.
Variant type: single nucleotide variant.
Coding change: c.5661G>A on transcript NM_000257.4 (MANE Select); coding-DNA position 5661, G replaced by A.
Protein change: p.Glu1887=; no amino-acid change (glutamic acid 1887 retained).
Molecular consequence: synonymous variant.
Genome position (GRCh38, 1-based): chr14:23,413,888, C>T on the plus strand (G>A on the coding strand, the complement: MYH7 is on the minus strand). VCF-style: chr14-23413888-C-T. GRCh37 (hg19) VCF-style: chr14-23883097-C-T.
Other names: p.E1887E:GAG>GAA; c.5661G>A (LRG_384t1).
Identifiers: ClinVar variation 181165 (VCV000181165.31), dbSNP rs730880727, ClinGen allele CA016365.

ClinVar aggregate classification (germline): Benign/Likely benign. Review status: criteria provided, multiple submitters, no conflicts (2 of 4 stars). 8 submissions from 8 submitters: Benign (1); Likely benign (7). Last evaluated 2026-01-05.

Conditions:
Cardiovascular phenotype. Identifiers: MedGen CN230736.
Hypertrophic cardiomyopathy 1 (CMH1). Also called: Familial hypertrophic cardiomyopathy 1; MYH7-Related Familial Hypertrophic Cardiomyopathy. Identifiers: MedGen C3495498, MONDO:0008647, OMIM 192600.
Congenital myopathy with fiber type disproportion. Also called: Congenital fiber-type disproportion; Congenital fiber-type disproportion myopathy. Identifiers: Orphanet 2020, MedGen C0546264, MONDO:0009711. Inheritance: all.
Myopathy, myosin storage, autosomal recessive (CMYO7B). Also called: CONGENITAL MYOPATHY 7B, MYOSIN STORAGE, AUTOSOMAL RECESSIVE. Identifiers: Orphanet 636970, MedGen C1850709, MONDO:0009708, OMIM 255160.
Myosin storage myopathy (CMYO7A). Also called: MYH7-related late-onset scapuloperoneal muscular dystrophy; Congenital myopathy 7A, myosin storage, autosomal dominant; MYOPATHY, HYALINE BODY, AUTOSOMAL DOMINANT; SCAPULOPERONEAL MUSCULAR DYSTROPHY; SCAPULOPERONEAL SYNDROME, MYOPATHIC TYPE; MYOPATHY WITH LYSIS OF TYPE I MYOFIBRILS. Identifiers: Orphanet 437572, Orphanet 636965, MedGen C1842160, MONDO:0008409, OMIM 608358.
Dilated cardiomyopathy 1S (CMD1S). Identifiers: Orphanet 154, Orphanet 54260, MedGen C1834481, MONDO:0013262, OMIM 613426.
MYH7-related skeletal myopathy. Also called: Laing early-onset distal myopathy; MYOPATHY, DISTAL, EARLY-ONSET, AUTOSOMAL DOMINANT; MYOPATHY, LATE DISTAL HEREDITARY; Myopathy, distal, 1; Laing distal myopathy. Identifiers: Orphanet 59135, MedGen C4552004, MONDO:0008050, OMIM 160500.
Cardiomyopathy (CMYO). Also called: Cardiomyopathies. Identifiers: Orphanet 167848, MedGen C0878544, MONDO:0004994, HP:0001638. Inheritance: Various modes of inheritance.
Hypertrophic cardiomyopathy. Also called: HYPERTROPHIC MYOCARDIOPATHY. Identifiers: Orphanet 217569, MedGen C0007194, MeSH D002312, MONDO:0005045, HP:0001639.

Allele frequency attached by ClinVar (database versions not stated): gnomAD 0.00001; gnomAD exomes 0.00003 and 0.00004; TOPMed 0.00003; ExAC 0.00006.

Submissions (8):

Labcorp Genetics (formerly Invitae), Labcorp
Classification: Likely benign for Hypertrophic cardiomyopathy. Last evaluated: 2026-01-05. Review status: criteria provided, single submitter. Criteria: Invitae Variant Classification Sherloc (09022015). Collection method: clinical testing. Allele origin: germline.

Women's Health and Genetics/Laboratory Corporation of America, LabCorp
Classification: Likely benign. Last evaluated: 2025-11-25. Review status: criteria provided, single submitter. Criteria: LabCorp Variant Classification Summary - May 2015. Collection method: clinical testing. Allele origin: germline.

Blueprint Genetics
Classification: Likely benign. Last evaluated: 2024-11-20. Review status: criteria provided, single submitter. Criteria: ACMG Guidelines, 2015. Collection method: clinical testing. Allele origin: germline.

All of Us Research Program, National Institutes of Health
Classification: Likely benign for Cardiomyopathy. Last evaluated: 2024-02-05. Review status: criteria provided, single submitter. Criteria: ACMG Guidelines, 2015. Collection method: clinical testing. Allele origin: germline. Inheritance: Autosomal dominant inheritance. Observed: 15 variant alleles, 15 heterozygotes.
Comment: This study involves interpretation of variants in research participants for the purpose of population health screening. Participant phenotype was not available at the time of variant classification. Additional details can be found in publication PMID: 35346344, PMCID: PMC8962531

Fulgent Genetics
Classification: Likely benign for MYH7-related skeletal myopathy; Myosin storage myopathy; Hypertrophic cardiomyopathy 1; Myopathy, myosin storage, autosomal recessive; Congenital myopathy 4A, autosomal dominant; Dilated cardiomyopathy 1S. Last evaluated: 2021-10-20. Review status: criteria provided, single submitter. Criteria: ACMG Guidelines, 2015. Collection method: clinical testing. Allele origin: unknown.

Color Diagnostics, LLC DBA Color Health
Classification: Likely benign for Cardiomyopathy. Last evaluated: 2018-12-04. Review status: criteria provided, single submitter. Criteria: ACMG Guidelines, 2015. Collection method: clinical testing. Allele origin: germline.

Ambry Genetics
Classification: Likely benign for Cardiovascular phenotype. Last evaluated: 2018-08-07. Review status: criteria provided, single submitter. Criteria: Ambry Variant Classification Scheme 2023. Collection method: clinical testing. Allele origin: germline.

GeneDx
Classification: Benign. Last evaluated: 2014-05-29. Review status: criteria provided, single submitter. Criteria: GeneDx Variant Classification (06012015). Collection method: clinical testing. Allele origin: germline. Affected: yes.
Comment: This variant is considered likely benign or benign based on one or more of the following criteria: it is a conservative change, it occurs at a poorly conserved position in the protein, it is predicted to be benign by multiple in silico algorithms, and/or has population frequency not consistent with disease.